The following is an entry in ClinVar:

ClinVar aggregate classification (germline): Uncertain significance. Review status: criteria provided, multiple submitters, no conflicts (2 of 4 stars). 2 submissions from 2 submitters: Uncertain significance (2). Last evaluated 2025-10-21.

Conditions:
Primary ciliary dyskinesia. Also called: Ciliary dyskinesia. Identifiers: Orphanet 244, MedGen C0008780, MONDO:0016575, HP:0012265.

Allele frequency attached by ClinVar (database versions not stated): ExAC below 0.00001; gnomAD exomes 0.00002 and 0.00010; gnomAD 0.00005 and 0.00006; TOPMed 0.00005; 1000 Genomes Project 30x 0.00016; 1000 Genomes Project 0.00020.
gnomAD v4.1: 153 of 1,561,438 alleles (0.0098%); highest among the groups gnomAD compares: Non-Finnish European, 0.013%; no homozygotes.

Submissions (2):

Labcorp Genetics (formerly Invitae), Labcorp
Classification: Uncertain significance for Primary ciliary dyskinesia. Last evaluated: 2025-10-21. Review status: criteria provided, single submitter. Criteria: Invitae Variant Classification Sherloc (09022015). Collection method: clinical testing. Allele origin: germline.
Comment: This sequence change replaces lysine, which is basic and polar, with asparagine, which is neutral and polar, at codon 87 of the CCDC39 protein (p.Lys87Asn). This variant is present in population databases (rs575350719, gnomAD 0.007%). This variant has not been reported in the literature in individuals affected with CCDC39-related conditions. ClinVar contains an entry for this variant (Variation ID: 410381). An algorithm developed to predict the effect of missense changes on protein structure and function (PolyPhen-2) suggests that this variant is likely to be tolerated. In summary, the available evidence is currently insufficient to determine the role of this variant in disease. Therefore, it has been classified as a Variant of Uncertain Significance.

Ambry Genetics
Classification: Uncertain significance for Primary ciliary dyskinesia. Last evaluated: 2024-03-25. Review status: criteria provided, single submitter. Criteria: Ambry Variant Classification Scheme 2023. Collection method: clinical testing. Allele origin: germline.

NM_181426.2(CCDC39):c.261G>T (p.Lys87Asn)

Gene: CCDC39 (coiled-coil domain 39 molecular ruler complex subunit; minus strand). Cytogenetic location: 3q26.33.
Variant type: single nucleotide variant.
Coding change: c.261G>T on transcript NM_181426.2 (MANE Select); coding-DNA position 261, G replaced by T.
Protein change: p.Lys87Asn; replaces lysine 87 with asparagine.
Molecular consequence: missense variant.
Genome position (GRCh38, 1-based): chr3:180,661,957, C>A on the plus strand (G>T on the coding strand, the complement: CCDC39 is on the minus strand). VCF-style: chr3-180661957-C-A. GRCh37 (hg19) VCF-style: chr3-180379745-C-A.
Other names: short protein forms K87N.
Identifiers: ClinVar variation 410381 (VCV000410381.10), dbSNP rs575350719, ClinGen allele CA2716211.